The following is an entry in ClinVar:

ClinVar aggregate classification (germline): Uncertain significance. Review status: criteria provided, multiple submitters, no conflicts (2 of 4 stars). 2 submissions from 2 submitters: Uncertain significance (2). Last evaluated 2025-12-22.

Conditions:
Cardiovascular phenotype. Identifiers: MedGen CN230736.
Naxos disease (NXD). Also called: KERATOSIS PALMOPLANTARIS WITH ARRHYTHMOGENIC CARDIOMYOPATHY; MAL DE NAXOS; PALMOPLANTAR KERATODERMA WITH ARRHYTHMOGENIC RIGHT VENTRICULAR CARDIOMYOPATHY AND WOOLLY HAIR; WOOLLY HAIR, PALMOPLANTAR KERATODERMA, AND CARDIAC ABNORMALITIES; CARDIOMYOPATHY, ARRHYTHMOGENIC RIGHT VENTRICULAR, WITH SKIN, HAIR, AND NAIL ABNORMALITIES. Identifiers: Orphanet 34217, MedGen C1832600, MONDO:0011017, OMIM 601214.
Arrhythmogenic right ventricular dysplasia 12. Also called: ARRHYTHMOGENIC RIGHT VENTRICULAR DYSPLASIA, FAMILIAL, 12. Identifiers: MedGen C1969081, MONDO:0012684, OMIM 611528.

Allele frequency attached by ClinVar (database versions not stated): TOPMed below 0.00001.

Submissions (2):

Ambry Genetics
Classification: Uncertain significance for Cardiovascular phenotype. Last evaluated: 2025-12-22. Review status: criteria provided, single submitter. Criteria: Ambry Variant Classification Scheme 2023. Collection method: clinical testing. Allele origin: germline.

Labcorp Genetics (formerly Invitae), Labcorp
Classification: Uncertain significance for Arrhythmogenic right ventricular dysplasia 12; Naxos disease. Last evaluated: 2025-03-17. Review status: criteria provided, single submitter. Criteria: Invitae Variant Classification Sherloc (09022015). Collection method: clinical testing. Allele origin: germline.
Comment: This sequence change replaces histidine, which is basic and polar, with glutamine, which is neutral and polar, at codon 360 of the JUP protein (p.His360Gln). This variant is not present in population databases (gnomAD no frequency). This variant has not been reported in the literature in individuals affected with JUP-related conditions. ClinVar contains an entry for this variant (Variation ID: 1786268). An algorithm developed to predict the effect of missense changes on protein structure and function (PolyPhen-2) suggests that this variant is likely to be disruptive. In summary, the available evidence is currently insufficient to determine the role of this variant in disease. Therefore, it has been classified as a Variant of Uncertain Significance.

NM_002230.4(JUP):c.1080C>A (p.His360Gln)

Gene: JUP (junction plakoglobin; minus strand). Cytogenetic location: 17q21.2.
Variant type: single nucleotide variant.
Coding change: c.1080C>A on transcript NM_002230.4 (MANE Select); coding-DNA position 1080, C replaced by A.
Protein change: p.His360Gln; replaces histidine 360 with glutamine.
Molecular consequence: missense variant.
Genome position (GRCh38, 1-based): chr17:41,764,791, G>T on the plus strand (C>A on the coding strand, the complement: JUP is on the minus strand). VCF-style: chr17-41764791-G-T. GRCh37 (hg19) VCF-style: chr17-39921043-G-T.
Other names: c.1080C>A, p.His360Gln (NM_001352773.2, NM_001352774.2, NM_001352775.2 and 3 more transcripts); short protein forms H360Q.
Identifiers: ClinVar variation 1786268 (VCV001786268.4), dbSNP rs1406214813, ClinGen allele CA399499027.